The following is an entry in ClinVar:

NM_003632.3(CNTNAP1):c.2503C>T (p.Arg835Ter)

Gene: CNTNAP1 (contactin associated protein 1; plus strand). Cytogenetic location: 17q21.2.
Variant type: single nucleotide variant.
Coding change: c.2503C>T on transcript NM_003632.3 (MANE Select); coding-DNA position 2503, C replaced by T.
Protein change: p.Arg835Ter; replaces arginine 835 with a stop codon.
Molecular consequence: nonsense.
Genome position (GRCh38, 1-based): chr17:42,691,964, C>T. VCF-style: chr17-42691964-C-T. GRCh37 (hg19) VCF-style: chr17-40843982-C-T.
Other names: short protein forms R835*.
Identifiers: ClinVar variation 1452481 (VCV001452481.7), dbSNP rs753677285, ClinGen allele CA8582064.

ClinVar aggregate classification (germline): Pathogenic. Review status: criteria provided, multiple submitters, no conflicts (2 of 4 stars). 2 submissions from 2 submitters: Pathogenic (2). Last evaluated 2026-05-16.

Conditions:
Neuropathy, congenital hypomyelinating, 3. Identifiers: MedGen C4748608, MONDO:0020766, OMIM 618186.

Allele frequency attached by ClinVar (database versions not stated): ExAC 0.00002; gnomAD exomes below 0.00001 and 0.00001.
gnomAD v4.1: 6 of 1,614,076 alleles (0.00037%); highest among the groups gnomAD compares: Non-Finnish European, 0.00051%; no homozygotes.

Submissions (2):

Victorian Clinical Genetics Services, Murdoch Childrens Research Institute
Classification: Pathogenic for Neuropathy, congenital hypomyelinating, 3. Last evaluated: 2026-05-16. Review status: criteria provided, single submitter. Criteria: ACMG Guidelines, 2015. Collection method: clinical testing. Allele origin: germline. Affected: yes.
Comment: This variant is classified as Pathogenic. Evidence in support of pathogenic classification: Variant is predicted to cause nonsense-mediated decay (NMD) and loss of protein (premature termination codon is located at least 54 nucleotides upstream of the final exon-exon junction); Variant is present in gnomAD <0.01 for a recessive condition (v4: 6 heterozygote(s), 0 homozygote(s)); This variant has limited previous evidence of pathogenicity in an unrelated individual(s). This variant has been reported once a pathogenic by a clinical laboratory in ClinVar; Other NMD-predicted variant(s) comparable to the one identified in this case have very strong previous evidence for pathogenicity (DECIPHER, PMID: 41656591). Additional information: This variant is heterozygous; This gene is associated with autosomal recessive disease; Loss of function is a known mechanism of disease in this gene and is associated with hypomyelinating neuropathy, congenital, 3 (MIM#618186) and lethal congenital contracture syndrome 7 (MIM#616286); Heterozygous variant detected in trans with a second PATHOGENIC heterozygous variant (NM_003632.3(CNTNAP1):c.2089C>T; p.(Arg697*)) in a recessive disease.

Labcorp Genetics (formerly Invitae), Labcorp
Classification: Pathogenic. Last evaluated: 2021-05-16. Review status: criteria provided, single submitter. Criteria: Invitae Variant Classification Sherloc (09022015). Collection method: clinical testing. Allele origin: germline.
Comment: For these reasons, this variant has been classified as Pathogenic. This variant has not been reported in the literature in individuals with CNTNAP1-related conditions. This variant is present in population databases (rs753677285, ExAC 0.003%). This sequence change creates a premature translational stop signal (p.Arg835*) in the CNTNAP1 gene. It is expected to result in an absent or disrupted protein product. Loss-of-function variants in CNTNAP1 are known to be pathogenic (PMID: 24319099).

Literature cited by the submitters: PubMed 41656591 (cited by Victorian Clinical Genetics Services, Murdoch Childrens Research Institute); PubMed 24319099 (cited by Labcorp Genetics (formerly Invitae), Labcorp).